The following is an entry in ClinVar:

NM_002691.4(POLD1):c.2713G>A (p.Glu905Lys)

Gene: POLD1 (DNA polymerase delta 1, catalytic subunit; plus strand). Cytogenetic location: 19q13.33.
Variant type: single nucleotide variant.
Coding change: c.2713G>A on transcript NM_002691.4 (MANE Select); coding-DNA position 2713, G replaced by A.
Protein change: p.Glu905Lys; replaces glutamic acid 905 with lysine.
Molecular consequence: missense variant. On other transcripts: non-coding transcript variant (1).
Genome position (GRCh38, 1-based): chr19:50,415,586, G>A. VCF-style: chr19-50415586-G-A. GRCh37 (hg19) VCF-style: chr19-50918843-G-A.
Other names: c.2713G>A, p.Glu905Lys (NM_001256849.1); c.2791G>A, p.Glu931Lys (NM_001308632.1); short protein forms E931K, E905K.
Identifiers: ClinVar variation 1044654 (VCV001044654.14), dbSNP rs759530743, ClinGen allele CA9596618.
Genomic context (GRCh38, chr19:50,415,586, plus strand): 5'-AAGGAGCTGACCCGCGCGGCCTCCGACTATGCCGGCAAGCAGGCCCACGTGGAGCTGGCC[G>A]AGAGGTCCTGCGCGGGGCGGGTGGCCTGGCCAGAAATAACCCCCTCCTTCCTGCCAGCTG-3'
Protein context (NP_002682.2, residues 895-915): AGKQAHVELA[Glu905Lys]RMRKRDPGSA

ClinVar aggregate classification (germline): Uncertain significance. Review status: criteria provided, multiple submitters, no conflicts (2 of 4 stars). 3 submissions from 3 submitters: Uncertain significance (3). Last evaluated 2025-12-24.

Conditions:
Hereditary cancer-predisposing syndrome. Also called: Tumor predisposition; Hereditary Cancer Syndrome; Hereditary neoplastic syndrome; Neoplastic Syndromes, Hereditary. Identifiers: Orphanet 140162, MedGen C0027672, MeSH D009386, MONDO:0015356.
POLD1-related polyposis and colorectal cancer syndrome (CRCS10). Also called: Colorectal cancer 10; COLORECTAL CANCER, SUSCEPTIBILITY TO, ON CHROMOSOME 19q; Colorectal cancer, susceptibility to, 10. Identifiers: Orphanet 220460, MedGen C2675481, MONDO:0012953, OMIM 612591.

Allele frequency attached by ClinVar (database versions not stated): gnomAD exomes below 0.00001 and 0.00001; ExAC 0.00001; TOPMed 0.00002.
gnomAD v4.1: 10 of 1,610,822 alleles (0.00062%); highest among the groups gnomAD compares: East Asian, 0.011%; no homozygotes.

Submissions (3):

Labcorp Genetics (formerly Invitae), Labcorp
Classification: Uncertain significance for POLD1-related polyposis and colorectal cancer syndrome. Last evaluated: 2025-12-24. Review status: criteria provided, single submitter. Criteria: Invitae Variant Classification Sherloc (09022015). Collection method: clinical testing. Allele origin: germline.
Comment: This sequence change replaces glutamic acid, which is acidic and polar, with lysine, which is basic and polar, at codon 905 of the POLD1 protein (p.Glu905Lys). The frequency data for this variant in the population databases is considered unreliable, as metrics indicate poor data quality at this position in the gnomAD database. This variant has not been reported in the literature in individuals affected with POLD1-related conditions. ClinVar contains an entry for this variant (Variation ID: 1044654). Invitae Evidence Modeling of protein sequence and biophysical properties (such as structural, functional, and spatial information, amino acid conservation, physicochemical variation, residue mobility, and thermodynamic stability) indicates that this missense variant is not expected to disrupt POLD1 protein function with a negative predictive value of 80%. In summary, the available evidence is currently insufficient to determine the role of this variant in disease. Therefore, it has been classified as a Variant of Uncertain Significance.

Ambry Genetics
Classification: Uncertain significance for Hereditary cancer-predisposing syndrome. Last evaluated: 2025-11-12. Review status: criteria provided, single submitter. Criteria: Ambry Variant Classification Scheme 2023. Collection method: clinical testing. Allele origin: germline.
Comment: The p.E905K variant (also known as c.2713G>A), located in coding exon 20 of the POLD1 gene, results from a G to A substitution at nucleotide position 2713. The glutamic acid at codon 905 is replaced by lysine, an amino acid with similar properties. This amino acid position is conserved. In addition, this alteration is predicted to be tolerated by in silico analysis. Since supporting evidence is limited at this time, the clinical significance of this alteration remains unclear.

GeneDx
Classification: Uncertain significance. Last evaluated: 2024-03-11. Review status: criteria provided, single submitter. Criteria: GeneDx Variant Classification Process June 2021. Collection method: clinical testing. Allele origin: germline. Affected: yes.
Comment: Not observed at significant frequency in large population cohorts (gnomAD); In silico analysis supports that this missense variant does not alter protein structure/function; Has not been previously published as pathogenic or benign to our knowledge